The following is an entry in ClinVar:

NM_000540.3(RYR1):c.2885A>G (p.Asn962Ser)

Gene: RYR1 (ryanodine receptor 1; plus strand). Cytogenetic location: 19q13.2.
Variant type: single nucleotide variant.
Coding change: c.2885A>G on transcript NM_000540.3 (MANE Select); coding-DNA position 2885, A replaced by G.
Protein change: p.Asn962Ser; replaces asparagine 962 with serine.
Molecular consequence: missense variant.
Genome position (GRCh38, 1-based): chr19:38,466,105, A>G. VCF-style: chr19-38466105-A-G. GRCh37 (hg19) VCF-style: chr19-38956745-A-G.
Other names: c.2885A>G, p.Asn962Ser (NM_001042723.2); short protein forms N962S.
Identifiers: ClinVar variation 2736482 (VCV002736482.3), dbSNP rs1420966056, ClinGen allele CA405634643.
Genomic context (GRCh38, chr19:38,466,105, plus strand): 5'-AGTGGAGGTGAGGGCCTTGTCCCATGGAGCCCTACCATGCCCGCAGGTATATGATGAGCA[A>G]TGGGTACAAGCCGGCTCCGCTGGACCTGAGCCACGTGCGGCTGACGCCGGCGCAGACGAC-3'
Protein context (NP_000531.2, residues 952-972): TKLPKTYMMS[Asn962Ser]GYKPAPLDLS

ClinVar aggregate classification (germline): Uncertain significance (1 of 4 stars; one submission).

Conditions:
RYR1-related disorder. Also called: RYR1-related condition; RYR1-related disorders. Identifiers: MedGen CN239331.

Allele frequency attached by ClinVar (database versions not stated): gnomAD exomes below 0.00001.
gnomAD v4.1: 4 of 1,611,160 alleles (0.00025%); highest among the groups gnomAD compares: African/African-American, 0.0027%; no homozygotes.

Submission:

Labcorp Genetics (formerly Invitae), Labcorp
Classification: Uncertain significance for RYR1-related disorder. Last evaluated: 2023-09-24. Review status: criteria provided, single submitter. Criteria: Invitae Variant Classification Sherloc (09022015). Collection method: clinical testing. Allele origin: germline.
Comment: In summary, the available evidence is currently insufficient to determine the role of this variant in disease. Therefore, it has been classified as a Variant of Uncertain Significance. Advanced modeling of protein sequence and biophysical properties (such as structural, functional, and spatial information, amino acid conservation, physicochemical variation, residue mobility, and thermodynamic stability) performed at Invitae indicates that this missense variant is not expected to disrupt RYR1 protein function. This variant has not been reported in the literature in individuals affected with RYR1-related conditions. The frequency data for this variant in the population databases is considered unreliable, as metrics indicate poor data quality at this position in the gnomAD database. This sequence change replaces asparagine, which is neutral and polar, with serine, which is neutral and polar, at codon 962 of the RYR1 protein (p.Asn962Ser).